The following is an entry in ClinVar:

NM_001035.3(RYR2):c.7169C>T (p.Thr2390Ile)

Gene: RYR2 (ryanodine receptor 2; plus strand). Cytogenetic location: 1q43.
Variant type: single nucleotide variant.
Coding change: c.7169C>T on transcript NM_001035.3 (MANE Select); coding-DNA position 7169, C replaced by T.
Protein change: p.Thr2390Ile; replaces threonine 2390 with isoleucine.
Molecular consequence: missense variant.
Genome position (GRCh38, 1-based): chr1:237,640,950, C>T. VCF-style: chr1-237640950-C-T. GRCh37 (hg19) VCF-style: chr1-237804250-C-T.
Other names: short protein forms T2390I.
Identifiers: ClinVar variation 3544417 (VCV003544417.2).
Genomic context (GRCh38, chr1:237,640,950, plus strand): 5'-ATGAAAGTGACACAGAGGAGGAGGAAGATGACACTATCCACATGGGGAACGCGATCATGA[C>T]CTTCTATTCAGCTTTGATTGACCTCTTGGGACGCTGTGCTCCTGAGATGCATGTGAGTTT-3'
Protein context (NP_001026.2, residues 2380-2400): DTIHMGNAIM[Thr2390Ile]FYSALIDLLG

ClinVar aggregate classification (germline): Likely pathogenic (1 of 4 stars; one submission).

Conditions:
Catecholaminergic polymorphic ventricular tachycardia 1. Also called: VENTRICULAR TACHYCARDIA, STRESS-INDUCED POLYMORPHIC 1; VENTRICULAR TACHYCARDIA, CATECHOLAMINERGIC POLYMORPHIC, 1, WITH OR WITHOUT ATRIAL DYSFUNCTION AND/OR DILATED CARDIOMYOPATHY; RYR2-Related Catecholaminergic Polymorphic Ventricular Tachycardia. Identifiers: Orphanet 3286, MedGen C1631597, MONDO:0011484, OMIM 604772.

Submission:

Molecular Genetics Laboratory, Motol Hospital
Classification: Likely pathogenic for Catecholaminergic polymorphic ventricular tachycardia 1. Last evaluated: 2025-01-08. Review status: criteria provided, single submitter. Criteria: ACMG Guidelines, 2015. Collection method: clinical testing. Allele origin: germline. Affected: yes. Observed: 1 variant allele.
Comment: missense mutation is a common mechanism of a disease (PP2), rare variant not present in general population in gnomAD v4.1.0 (PM2), assumed de novo origin (PM6), patient's phenotype is highly specific for a disease with a single genetic etiology (PP4); ACMG PM2, PP2, PM6, PP4